The following is an entry in ClinVar:

ClinVar aggregate classification (germline): Uncertain significance (1 of 4 stars; one submission).

Conditions:
Primary ciliary dyskinesia. Also called: Ciliary dyskinesia. Identifiers: Orphanet 244, MedGen C0008780, MONDO:0016575, HP:0012265.

Submission:

Labcorp Genetics (formerly Invitae), Labcorp
Classification: Uncertain significance for Primary ciliary dyskinesia. Last evaluated: 2024-05-29. Review status: criteria provided, single submitter. Criteria: Invitae Variant Classification Sherloc (09022015). Collection method: clinical testing. Allele origin: germline.
Comment: This sequence change replaces alanine, which is neutral and non-polar, with glycine, which is neutral and non-polar, at codon 766 of the DNAH8 protein (p.Ala766Gly). This variant is not present in population databases (gnomAD no frequency). This variant has not been reported in the literature in individuals affected with DNAH8-related conditions. ClinVar contains an entry for this variant (Variation ID: 1977969). Experimental studies and prediction algorithms are not available or were not evaluated, and the functional significance of this variant is currently unknown. In summary, the available evidence is currently insufficient to determine the role of this variant in disease. Therefore, it has been classified as a Variant of Uncertain Significance.

NM_001206927.2(DNAH8):c.2297C>G (p.Ala766Gly)

Gene: DNAH8 (dynein axonemal heavy chain 8; plus strand). Cytogenetic location: 6p21.2.
Variant type: single nucleotide variant.
Coding change: c.2297C>G on transcript NM_001206927.2 (MANE Select); coding-DNA position 2297, C replaced by G.
Protein change: p.Ala766Gly; replaces alanine 766 with glycine.
Molecular consequence: missense variant.
Genome position (GRCh38, 1-based): chr6:38,783,041, C>G. VCF-style: chr6-38783041-C-G. GRCh37 (hg19) VCF-style: chr6-38750817-C-G.
Other names: c.1646C>G, p.Ala549Gly (NM_001371.4); short protein forms A549G, A766G.
Identifiers: ClinVar variation 1977969 (VCV001977969.5), dbSNP rs1768796280, ClinGen allele CA363989425.